The following is an entry in ClinVar:

NM_000277.3(PAH):c.706+608A>G

Gene: PAH (phenylalanine hydroxylase; minus strand). Cytogenetic location: 12q23.2.
Variant type: single nucleotide variant.
Coding change: c.706+608A>G on transcript NM_000277.3 (MANE Select); 608 bases into the intron after coding-DNA position 706, A replaced by G.
Molecular consequence: intron variant.
Genome position (GRCh38, 1-based): chr12:102,854,528, T>C on the plus strand (A>G on the coding strand, the complement: PAH is on the minus strand). VCF-style: chr12-102854528-T-C. GRCh37 (hg19) VCF-style: chr12-103248306-T-C.
Other names: c.706+608A>G (NM_001354304.2).
Identifiers: ClinVar variation 3772419 (VCV003772419.13).

ClinVar aggregate classification (germline): Uncertain significance (1 of 4 stars; one submission).

Submission:

CeGaT Center for Human Genetics Tuebingen
Classification: Uncertain significance. Last evaluated: 2025-02-01. Review status: criteria provided, single submitter. Criteria: CeGaT Center For Human Genetics Tuebingen Variant Classification Criteria Version 2. Collection method: clinical testing. Allele origin: germline. Affected: yes. Observed: 1 variant allele.
Comment: PAH: PM2, PP4:Moderate, PM3:Supporting